The following is an entry in ClinVar:

ClinVar aggregate classification (germline): Uncertain significance. Review status: criteria provided, multiple submitters, no conflicts (2 of 4 stars). 3 submissions from 3 submitters: Uncertain significance (2). 1 of the submissions does not count toward it. Last evaluated 2024-01-19.

Conditions:
Polycystic kidney disease 4 (PKD4). Also called: POLYCYSTIC KIDNEY AND HEPATIC DISEASE 1; POLYCYSTIC KIDNEY DISEASE, INFANTILE, TYPE I; POLYCYSTIC KIDNEY DISEASE 4 WITH OR WITHOUT POLYCYSTIC LIVER DISEASE; Autosomal Recessive Polycystic Kidney Disease – PKHD1; PKD3. Identifiers: MedGen C4540575, MONDO:0033004, OMIM 263200.
Autosomal recessive polycystic kidney disease (ARPKD). Also called: AR polycystic kidney disease. Identifiers: Orphanet 731, Orphanet 8378, MedGen C0085548, MeSH D017044, MONDO:0009889.

Allele frequency attached by ClinVar (database versions not stated): gnomAD exomes 0.00001; TOPMed 0.00001.
gnomAD v4.1: 9 of 1,612,508 alleles (0.00056%); highest among the groups gnomAD compares: Non-Finnish European, 0.00076%; no homozygotes.

Submissions (3):

Fulgent Genetics
Classification: Uncertain significance for Polycystic kidney disease 4. Last evaluated: 2024-01-19. Review status: criteria provided, single submitter. Criteria: ACMG Guidelines, 2015. Collection method: clinical testing. Allele origin: germline.

Labcorp Genetics (formerly Invitae), Labcorp
Classification: Uncertain significance for Autosomal recessive polycystic kidney disease. Last evaluated: 2021-08-20. Review status: criteria provided, single submitter. Criteria: Invitae Variant Classification Sherloc (09022015). Collection method: clinical testing. Allele origin: germline.
Comment: This sequence change replaces proline with serine at codon 2767 of the PKHD1 protein (p.Pro2767Ser). The proline residue is moderately conserved and there is a moderate physicochemical difference between proline and serine. This variant is not present in population databases (ExAC no frequency). This variant has not been reported in the literature in individuals affected with PKHD1-related conditions. Algorithms developed to predict the effect of missense changes on protein structure and function output the following: SIFT: "Tolerated"; PolyPhen-2: "Possibly Damaging"; Align-GVGD: "Class C0". The serine amino acid residue is found in multiple mammalian species, which suggests that this missense change does not adversely affect protein function. In summary, the available evidence is currently insufficient to determine the role of this variant in disease. Therefore, it has been classified as a Variant of Uncertain Significance.

Natera, Inc.
Classification: Uncertain significance for Autosomal recessive polycystic kidney disease. Last evaluated: 2020-09-16. Review status: no assertion criteria provided. Collection method: clinical testing. Allele origin: germline. Not counted in ClinVar's aggregate classification.

NM_138694.4(PKHD1):c.8299C>T (p.Pro2767Ser)

Gene: PKHD1 (PKHD1 ciliary IPT domain containing fibrocystin/polyductin; minus strand). Cytogenetic location: 6p12.2.
Variant type: single nucleotide variant.
Coding change: c.8299C>T on transcript NM_138694.4 (MANE Select); coding-DNA position 8299, C replaced by T.
Protein change: p.Pro2767Ser; replaces proline 2767 with serine.
Molecular consequence: missense variant.
Genome position (GRCh38, 1-based): chr6:51,830,864, G>A on the plus strand (C>T on the coding strand, the complement: PKHD1 is on the minus strand). VCF-style: chr6-51830864-G-A. GRCh37 (hg19) VCF-style: chr6-51695662-G-A.
Other names: c.8299C>T, p.Pro2767Ser (NM_170724.3); short protein forms P2767S.
Identifiers: ClinVar variation 844369 (VCV000844369.6), dbSNP rs764600547, ClinGen allele CA138905200.
Genomic context (GRCh38, chr6:51,830,864, plus strand): 5'-TCAGATCTGGCTGGGTTCAGCCTGTCTGTGATTCATCTCTTGGGTAGTTTTACTCACTGG[G>A]TAAAATGAGAACGTCATCCCCAGGGCCTGGAATGGTATTGTTGTATCCTCCCCAGCCTTC-3'
Protein context (NP_619639.3, residues 2757-2777): PGPGDDVLIL[Pro2767Ser]NRTVLVDTDL